The following is an entry in ClinVar:

ClinVar aggregate classification (germline): Conflicting classifications of pathogenicity. Review status: criteria provided, conflicting classifications (1 of 4 stars). 6 submissions from 6 submitters: Uncertain significance (4); Likely benign (2). Last evaluated 2026-01-21.

Conditions:
Inborn genetic diseases. Identifiers: MedGen C0950123, MeSH D030342.
Neonatal-onset encephalopathy with rigidity and seizures. Also called: Lethal neonatal spasticity-epileptic encephalopathy syndrome. Identifiers: Orphanet 435845, MedGen C3281029, MONDO:0013784, OMIM 614498.
Neurodevelopmental disorder with cerebellar atrophy and with or without seizures. Identifiers: MedGen C4748032, MONDO:0020841, OMIM 618056.

Allele frequency attached by ClinVar (database versions not stated): gnomAD exomes 0.00025 and 0.00054; gnomAD 0.00027 and 0.00028; TOPMed 0.00031; ESP Exome Variant Server 0.00046; ExAC 0.00050.
gnomAD v4.1: 790 of 1,559,722 alleles (0.051%); highest among the groups gnomAD compares: Non-Finnish European, 0.066%; 3 homozygotes.

Submissions (6):

Labcorp Genetics (formerly Invitae), Labcorp
Classification: Likely benign for Neonatal-onset encephalopathy with rigidity and seizures. Last evaluated: 2026-01-21. Review status: criteria provided, single submitter. Criteria: Invitae Variant Classification Sherloc (09022015). Collection method: clinical testing. Allele origin: germline.

Ambry Genetics
Classification: Uncertain significance for Inborn genetic diseases. Last evaluated: 2024-12-03. Review status: criteria provided, single submitter. Criteria: Ambry Variant Classification Scheme 2023. Collection method: clinical testing. Allele origin: germline.

CeGaT Center for Human Genetics Tuebingen
Classification: Uncertain significance. Last evaluated: 2024-01-01. Review status: criteria provided, single submitter. Criteria: CeGaT Center For Human Genetics Tuebingen Variant Classification Criteria Version 2. Collection method: clinical testing. Allele origin: germline. Affected: yes. Observed: 1 variant allele.
Comment: BRAT1: PM2, BP4

Mayo Clinic Laboratories, Mayo Clinic
Classification: Uncertain significance. Last evaluated: 2023-06-09. Review status: criteria provided, single submitter. Criteria: ACMG Guidelines, 2015. Collection method: clinical testing. Allele origin: germline. Observed: 1 variant allele.
Comment: BP4

GeneDx
Classification: Likely benign. Last evaluated: 2020-01-28. Review status: criteria provided, single submitter. Criteria: GeneDx Variant Classification Process June 2021. Collection method: clinical testing. Allele origin: germline. Affected: yes.
Comment: This variant is associated with the following publications: (PMID: 28492532)

Fulgent Genetics
Classification: Uncertain significance for Neonatal-onset encephalopathy with rigidity and seizures; Neurodevelopmental disorder with cerebellar atrophy and with or without seizures. Last evaluated: 2018-10-31. Review status: criteria provided, single submitter. Criteria: ACMG Guidelines, 2015. Collection method: clinical testing. Allele origin: unknown.

NM_152743.4(BRAT1):c.1594G>A (p.Gly532Arg)

Gene: BRAT1 (BRCA1 associated ATM activator 1; minus strand). Cytogenetic location: 7p22.3.
Variant type: single nucleotide variant.
Coding change: c.1594G>A on transcript NM_152743.4 (MANE Select); coding-DNA position 1594, G replaced by A.
Protein change: p.Gly532Arg; replaces glycine 532 with arginine.
Molecular consequence: missense variant. On other transcripts: non-coding transcript variant (1).
Genome position (GRCh38, 1-based): chr7:2,539,547, C>T on the plus strand (G>A on the coding strand, the complement: BRAT1 is on the minus strand). VCF-style: chr7-2539547-C-T. GRCh37 (hg19) VCF-style: chr7-2579181-C-T.
Other names: p.Gly532Arg; c.1594G>A, p.Gly532Arg (NM_001350626.2); c.1069G>A, p.Gly357Arg (NM_001350627.2); short protein forms G532R, G357R.
Identifiers: ClinVar variation 472947 (VCV000472947.38), dbSNP rs142129866, ClinGen allele CA4127685.